The following is an entry in ClinVar:

ClinVar aggregate classification (germline): Uncertain significance. Review status: criteria provided, multiple submitters, no conflicts (2 of 4 stars). 2 submissions from 2 submitters: Uncertain significance (2). Last evaluated 2024-03-13.

Conditions:
Neurofibromatosis, type 1 (NF1). Also called: NEUROFIBROMATOSIS, TYPE I, SOMATIC; Peripheral type neurofibromatosis; VON RECKLINGHAUSEN DISEASE; Neurofibromatosis, type I. Identifiers: Orphanet 636, MedGen C0027831, MONDO:0018975, OMIM 162200. Disease mechanism: loss of function.
Juvenile myelomonocytic leukemia (JMML). Also called: LEUKEMIA, JUVENILE MYELOMONOCYTIC, SOMATIC. Identifiers: Orphanet 86834, MedGen C0349639, MONDO:0011908, OMIM 607785, HP:0012209.

Submissions (2):

Baylor Genetics
Classification: Uncertain significance for Juvenile myelomonocytic leukemia. Last evaluated: 2024-03-13. Review status: criteria provided, single submitter. Criteria: ACMG Guidelines, 2015. Collection method: clinical testing. Allele origin: unknown.

Labcorp Genetics (formerly Invitae), Labcorp
Classification: Uncertain significance for Neurofibromatosis, type 1. Last evaluated: 2023-03-27. Review status: criteria provided, single submitter. Criteria: Invitae Variant Classification Sherloc (09022015). Collection method: clinical testing. Allele origin: germline.
Comment: In summary, the available evidence is currently insufficient to determine the role of this variant in disease. Therefore, it has been classified as a Variant of Uncertain Significance. Advanced modeling of protein sequence and biophysical properties (such as structural, functional, and spatial information, amino acid conservation, physicochemical variation, residue mobility, and thermodynamic stability) performed at Invitae indicates that this missense variant is expected to disrupt NF1 protein function. This variant has not been reported in the literature in individuals affected with NF1-related conditions. This variant is not present in population databases (gnomAD no frequency). This sequence change replaces valine, which is neutral and non-polar, with alanine, which is neutral and non-polar, at codon 1398 of the NF1 protein (p.Val1398Ala).

NM_001042492.3(NF1):c.4256T>C (p.Val1419Ala)

Gene: NF1 (neurofibromin 1; plus strand). Cytogenetic location: 17q11.2.
Variant type: single nucleotide variant.
Coding change: c.4256T>C on transcript NM_001042492.3 (MANE Select); coding-DNA position 4256, T replaced by C.
Protein change: p.Val1419Ala; replaces valine 1419 with alanine.
Molecular consequence: missense variant.
Genome position (GRCh38, 1-based): chr17:31,258,426, T>C. VCF-style: chr17-31258426-T-C. GRCh37 (hg19) VCF-style: chr17-29585444-T-C.
Other names: c.4193T>C, p.Val1398Ala (NM_000267.4); short protein forms V1398A, V1419A.
Identifiers: ClinVar variation 2813061 (VCV002813061.4), dbSNP rs1555618528, ClinGen allele CA398997915.